The following is an entry in ClinVar:

ClinVar aggregate classification (germline): Uncertain significance (1 of 4 stars; one submission).

Allele frequency attached by ClinVar (database versions not stated): gnomAD exomes below 0.00001.
gnomAD v4.1: 2 of 1,614,052 alleles (0.00012%); highest among the groups gnomAD compares: Admixed American, 0.0017%; no homozygotes.

Submission:

Labcorp Genetics (formerly Invitae), Labcorp
Classification: Uncertain significance. Last evaluated: 2022-08-16. Review status: criteria provided, single submitter. Criteria: Invitae Variant Classification Sherloc (09022015). Collection method: clinical testing. Allele origin: germline.
Comment: In summary, the available evidence is currently insufficient to determine the role of this variant in disease. Therefore, it has been classified as a Variant of Uncertain Significance. Variants that disrupt the consensus splice site are a relatively common cause of aberrant splicing (PMID: 17576681, 9536098). Algorithms developed to predict the effect of sequence changes on RNA splicing suggest that this variant may disrupt the consensus splice site. ClinVar contains an entry for this variant (Variation ID: 1481983). This variant has not been reported in the literature in individuals affected with HSPG2-related conditions. This variant is present in population databases (no rsID available, gnomAD 0.003%). This sequence change falls in intron 78 of the HSPG2 gene. It does not directly change the encoded amino acid sequence of the HSPG2 protein. It affects a nucleotide within the consensus splice site.

Literature cited by the submitters: PubMed 17576681; PubMed 9536098.

NM_005529.7(HSPG2):c.10831-3C>T

Gene: HSPG2 (heparan sulfate proteoglycan 2; minus strand). Cytogenetic location: 1p36.12.
Variant type: single nucleotide variant.
Coding change: c.10831-3C>T on transcript NM_005529.7 (MANE Select); 3 bases into the intron before coding-DNA position 10831, C replaced by T.
Molecular consequence: intron variant.
Genome position (GRCh38, 1-based): chr1:21,833,617, G>A on the plus strand (C>T on the coding strand, the complement: HSPG2 is on the minus strand). VCF-style: chr1-21833617-G-A. GRCh37 (hg19) VCF-style: chr1-22160110-G-A.
Other names: c.10834-3C>T (NM_001291860.2).
Identifiers: ClinVar variation 1481983 (VCV001481983.6), dbSNP rs1440235435, ClinGen allele CA521900259.